The following is an entry in ClinVar:

NM_004168.4(SDHA):c.754A>G (p.Thr252Ala)

Gene: SDHA (succinate dehydrogenase complex flavoprotein subunit A; plus strand). Cytogenetic location: 5p15.33.
Variant type: single nucleotide variant.
Coding change: c.754A>G on transcript NM_004168.4 (MANE Select); coding-DNA position 754, A replaced by G.
Protein change: p.Thr252Ala; replaces threonine 252 with alanine.
Molecular consequence: missense variant.
Genome position (GRCh38, 1-based): chr5:228,317, A>G. VCF-style: chr5-228317-A-G. GRCh37 (hg19) VCF-style: chr5-228432-A-G.
Other names: c.610A>G, p.Thr204Ala (NM_001294332.2); c.754A>G, p.Thr252Ala (NM_001330758.2); short protein forms T252A, T204A.
Identifiers: ClinVar variation 4088247 (VCV004088247.2).

ClinVar aggregate classification (germline): Uncertain significance. Review status: criteria provided, multiple submitters, no conflicts (2 of 4 stars). 2 submissions from 2 submitters: Uncertain significance (2). Last evaluated 2026-02-28.

Conditions:
Hereditary cancer-predisposing syndrome. Also called: Neoplastic Syndromes, Hereditary; Tumor predisposition; Hereditary neoplastic syndrome; Hereditary Cancer Syndrome. Identifiers: Orphanet 140162, MedGen C0027672, MeSH D009386, MONDO:0015356.

gnomAD v4.1: 2 of 1,613,984 alleles (0.00012%); highest among the groups gnomAD compares: African/African-American, 0.0013%; no homozygotes.

Submissions (2):

Ambry Genetics
Classification: Uncertain significance for Hereditary cancer-predisposing syndrome. Last evaluated: 2026-02-28. Review status: criteria provided, single submitter. Criteria: Ambry Variant Classification Scheme 2023. Collection method: clinical testing. Allele origin: germline.
Comment: The p.T252A variant (also known as c.754A>G), located in coding exon 6 of the SDHA gene, results from an A to G substitution at nucleotide position 754. The threonine at codon 252 is replaced by alanine, an amino acid with similar properties. This amino acid position is conserved. In addition, this alteration is predicted to be deleterious by in silico analysis. Based on the available evidence, the clinical significance of this variant remains unclear.

GeneDx
Classification: Uncertain significance. Last evaluated: 2025-03-17. Review status: criteria provided, single submitter. Criteria: GeneDx Variant Classification Process June 2021. Collection method: clinical testing. Allele origin: germline. Affected: yes.
Comment: Not observed at significant frequency in large population cohorts (gnomAD); In silico analysis supports that this missense variant has a deleterious effect on protein structure/function; Has not been previously published as pathogenic or benign to our knowledge